The following is an entry in ClinVar:

ClinVar aggregate classification (germline): Conflicting classifications of pathogenicity. Review status: criteria provided, conflicting classifications (1 of 4 stars). 5 submissions from 5 submitters: Uncertain significance (4); Likely benign (1). Last evaluated 2025-09-05.

Conditions:
Developmental and epileptic encephalopathy, 18 (DEE18). Also called: Early infantile epileptic encephalopathy 18. Identifiers: Orphanet 369894, MedGen C3809624, MONDO:0014201, OMIM 615476.

Allele frequency attached by ClinVar (database versions not stated): gnomAD 0.00002; TOPMed 0.00002; ESP Exome Variant Server 0.00008.
gnomAD v4.1: 50 of 1,612,354 alleles (0.0031%); highest among the groups gnomAD compares: Middle Eastern, 0.016%; no homozygotes.

Submissions (5):

GeneDx
Classification: Uncertain significance. Last evaluated: 2025-09-05. Review status: criteria provided, single submitter. Criteria: GeneDx Variant Classification Process June 2021. Collection method: clinical testing. Allele origin: germline. Affected: yes.
Comment: Not observed at significant frequency in large population cohorts (gnomAD); In silico analysis suggests that this missense variant does not alter protein structure/function; Has not been previously published as pathogenic or benign to our knowledge

Labcorp Genetics (formerly Invitae), Labcorp
Classification: Uncertain significance. Last evaluated: 2024-10-14. Review status: criteria provided, single submitter. Criteria: Invitae Variant Classification Sherloc (09022015). Collection method: clinical testing. Allele origin: germline.
Comment: This sequence change replaces leucine, which is neutral and non-polar, with proline, which is neutral and non-polar, at codon 1020 of the SZT2 protein (p.Leu1020Pro). This variant is present in population databases (rs200084982, gnomAD 0.006%). This variant has not been reported in the literature in individuals affected with SZT2-related conditions. ClinVar contains an entry for this variant (Variation ID: 856417). Invitae Evidence Modeling of protein sequence and biophysical properties (such as structural, functional, and spatial information, amino acid conservation, physicochemical variation, residue mobility, and thermodynamic stability) indicates that this missense variant is not expected to disrupt SZT2 protein function with a negative predictive value of 80%. In summary, the available evidence is currently insufficient to determine the role of this variant in disease. Therefore, it has been classified as a Variant of Uncertain Significance.

Blueprint Genetics
Classification: Likely benign. Last evaluated: 2024-04-09. Review status: criteria provided, single submitter. Criteria: ACMG Guidelines, 2015. Collection method: clinical testing. Allele origin: germline.

Genome-Nilou Lab
Classification: Uncertain significance for Developmental and epileptic encephalopathy, 18. Last evaluated: 2023-04-11. Review status: criteria provided, single submitter. Criteria: ACMG Guidelines, 2015. Collection method: clinical testing. Allele origin: germline. Affected: no.

Department of Pathology and Laboratory Medicine, Sinai Health System
Classification: Uncertain significance for Developmental and epileptic encephalopathy, 18. Last evaluated: 2023-02-24. Review status: criteria provided, single submitter. Criteria: ACMG Guidelines, 2015. Collection method: research. Allele origin: germline.

NM_001365999.1(SZT2):c.3230T>C (p.Leu1077Pro)

Gene: SZT2 (SZT2 subunit of KICSTOR complex; plus strand). Cytogenetic location: 1p34.2.
Variant type: single nucleotide variant.
Coding change: c.3230T>C on transcript NM_001365999.1 (MANE Select); coding-DNA position 3230, T replaced by C.
Protein change: p.Leu1077Pro; replaces leucine 1077 with proline.
Molecular consequence: missense variant.
Genome position (GRCh38, 1-based): chr1:43,426,730, T>C. VCF-style: chr1-43426730-T-C. GRCh37 (hg19) VCF-style: chr1-43892401-T-C.
Other names: c.3059T>C, p.Leu1020Pro (NM_015284.4); short protein forms L1020P, L1077P.
Identifiers: ClinVar variation 856417 (VCV000856417.11), dbSNP rs200084982, ClinGen allele CA808923.
Genomic context (GRCh38, chr1:43,426,730, plus strand): 5'-TCTGCTGGCCCTGCCCTCTTTCACCCATCTCTACCCCCATTGTAGGTGCCGAGGGGCCAC[T>C]GCTGGGGGTTCATGGGATCCCGAAGGAGCAAGCAGTCGGCAGCACCCAGGCCACAGGAGA-3'
Protein context (NP_001352928.1, residues 1067-1087): TCHVPGAEGP[Leu1077Pro]LGVHGIPKEQ